The following is an entry in ClinVar:

ClinVar aggregate classification (germline): other (0 of 4 stars; one submission).

Conditions:
Cholangiocarcinoma. Identifiers: Orphanet 70567, MedGen C0206698, MeSH D018281, MONDO:0019087, HP:0030153.

Allele frequency attached by ClinVar (database versions not stated): gnomAD exomes 0.34807; 1000 Genomes Project 0.40016; gnomAD 0.40616; 1000 Genomes Project 30x 0.41052; TOPMed 0.41236.
gnomAD v4.1: 61,641 of 152,406 alleles (40%); highest among the groups gnomAD compares: African/African-American, 61%; 13,789 homozygotes.

Submission:

Department of Surgery, Campus Charité Mitte | Campus Virchow-klinikum, Charite-Universitaetsmedizin Berlin
Classification: other for Cholangiocarcinoma. Last evaluated: 2022-12-10. Review status: no assertion criteria provided. Collection method: research. Allele origin: germline. Affected: yes.
Comment: No association with disease-free or overall survival after resection of intrahepatic Cholangiocarcinoma

NM_000963.4(PTGS2):c.*427T>C

Gene: PTGS2 (prostaglandin-endoperoxide synthase 2; minus strand). Cytogenetic location: 1q31.1.
Variant type: single nucleotide variant.
Coding change: c.*427T>C on transcript NM_000963.4 (MANE Select); 427 bases downstream of the stop codon, T replaced by C.
Molecular consequence: 3 prime UTR variant.
Genome position (GRCh38, 1-based): chr1:186,673,926, A>G on the plus strand (T>C on the coding strand, the complement: PTGS2 is on the minus strand). VCF-style: chr1-186673926-A-G. GRCh37 (hg19) VCF-style: chr1-186643058-A-G.
Identifiers: ClinVar variation 2571393 (VCV002571393.2), dbSNP rs5275, ClinGen allele CA10910900.